The following is an entry in ClinVar:

NM_000722.4(CACNA2D1):c.2728C>T (p.Pro910Ser)

Gene: CACNA2D1 (calcium voltage-gated channel auxiliary subunit alpha2delta 1; minus strand). Cytogenetic location: 7q21.11.
Variant type: single nucleotide variant.
Coding change: c.2728C>T on transcript NM_000722.4 (MANE Select); coding-DNA position 2728, C replaced by T.
Protein change: p.Pro910Ser; replaces proline 910 with serine.
Molecular consequence: missense variant.
Genome position (GRCh38, 1-based): chr7:81,964,108, G>A on the plus strand (C>T on the coding strand, the complement: CACNA2D1 is on the minus strand). VCF-style: chr7-81964108-G-A. GRCh37 (hg19) VCF-style: chr7-81593424-G-A.
Other names: c.2764C>T, p.Pro922Ser (NM_001366867.1); short protein forms P910S, P922S.
Identifiers: ClinVar variation 1968856 (VCV001968856.6), dbSNP rs1794451842, ClinGen allele CA367884367.

ClinVar aggregate classification (germline): Uncertain significance. Review status: criteria provided, multiple submitters, no conflicts (2 of 4 stars). 2 submissions from 2 submitters: Uncertain significance (2). Last evaluated 2024-12-29.

Conditions:
Cardiovascular phenotype. Identifiers: MedGen CN230736.
Brugada syndrome. Also called: Sudden Unexplained Death Syndrome; Sudden Unexplained Nocturnal Death Syndrome (SUNDS); Sudden unexpected nocturnal death syndrome; Sudden unexplained nocturnal death syndrome. Identifiers: Orphanet 130, MedGen C1142166, MONDO:0015263.

Allele frequency attached by ClinVar (database versions not stated): TOPMed below 0.00001.

Submissions (2):

Ambry Genetics
Classification: Uncertain significance for Cardiovascular phenotype. Last evaluated: 2024-12-29. Review status: criteria provided, single submitter. Criteria: Ambry Variant Classification Scheme 2023. Collection method: clinical testing. Allele origin: germline.
Comment: The p.P910S variant (also known as c.2728C>T) is located in coding exon 34 of the CACNA2D1 gene. The proline at codon 910 is replaced by serine, an amino acid with similar properties. This change occurs in the first base pair of coding exon 34. This amino acid position is conserved. In addition, the in silico prediction for this alteration is inconclusive. Based on the available evidence, the clinical significance of this variant remains unclear.

Labcorp Genetics (formerly Invitae), Labcorp
Classification: Uncertain significance for Brugada syndrome. Last evaluated: 2021-12-25. Review status: criteria provided, single submitter. Criteria: Invitae Variant Classification Sherloc (09022015). Collection method: clinical testing. Allele origin: germline.
Comment: This variant has not been reported in the literature in individuals affected with CACNA2D1-related conditions. This sequence change replaces proline, which is neutral and non-polar, with serine, which is neutral and polar, at codon 910 of the CACNA2D1 protein (p.Pro910Ser). This variant is not present in population databases (gnomAD no frequency). Algorithms developed to predict the effect of missense changes on protein structure and function are either unavailable or do not agree on the potential impact of this missense change (SIFT: "Tolerated"; PolyPhen-2: "Probably Damaging"; Align-GVGD: "Class C15"). In summary, the available evidence is currently insufficient to determine the role of this variant in disease. Therefore, it has been classified as a Variant of Uncertain Significance.